The following is an entry in ClinVar:

ClinVar aggregate classification (germline): Uncertain significance (1 of 4 stars; one submission).

gnomAD v4.1: 1 of 1,613,730 alleles (0.000062%); highest among the groups gnomAD compares: Non-Finnish European, 0.000085%; no homozygotes.

Submission:

GeneDx
Classification: Uncertain significance. Last evaluated: 2023-08-01. Review status: criteria provided, single submitter. Criteria: GeneDx Variant Classification Process June 2021. Collection method: clinical testing. Allele origin: germline. Affected: yes.
Comment: Has not been previously published as pathogenic or benign to our knowledge; Not observed at significant frequency in large population cohorts (gnomAD); In silico analysis supports that this missense variant does not alter protein structure/function

NM_198334.3(GANAB):c.412G>T (p.Val138Leu)

Gene: GANAB (glucosidase II alpha subunit; minus strand). Cytogenetic location: 11q12.3.
Variant type: single nucleotide variant.
Coding change: c.412G>T on transcript NM_198334.3 (MANE Select); coding-DNA position 412, G replaced by T.
Protein change: p.Val138Leu; replaces valine 138 with leucine.
Molecular consequence: missense variant. On other transcripts: 5 prime UTR variant (2).
Genome position (GRCh38, 1-based): chr11:62,634,969, C>A on the plus strand (G>T on the coding strand, the complement: GANAB is on the minus strand). VCF-style: chr11-62634969-C-A. GRCh37 (hg19) VCF-style: chr11-62402441-C-A.
Other names: c.70G>T, p.Val24Leu (NM_001278192.2, NM_001278193.2); c.121G>T, p.Val41Leu (NM_001278194.2, NM_001329222.2, NM_001329223.2); c.-365G>T (NM_001329224.2, NM_001329225.2); c.412G>T, p.Val138Leu (NM_198335.4); short protein forms V138L, V24L, V41L.
Identifiers: ClinVar variation 3361774 (VCV003361774.1).